The following is an entry in ClinVar:

ClinVar aggregate classification (germline): Likely pathogenic (1 of 4 stars; one submission).

Conditions:
Neurofibromatosis, type 1 (NF1). Also called: Neurofibromatosis, type I; NEUROFIBROMATOSIS, TYPE I, SOMATIC; VON RECKLINGHAUSEN DISEASE; Peripheral type neurofibromatosis. Identifiers: Orphanet 636, MedGen C0027831, MONDO:0018975, OMIM 162200. Disease mechanism: loss of function.

Submission:

Department of Paediatric Medicine, Post Graduation Institute of Medical Education and Research
Classification: Likely pathogenic for Neurofibromatosis, type 1. Last evaluated: 2023-07-21. Review status: criteria provided, single submitter. Criteria: ACMG Guidelines, 2015. Collection method: clinical testing. Allele origin: de novo. Inheritance: Autosomal dominant inheritance. Affected: yes. Observed: 1 variant allele, 1 heterozygote.
Comment: The variant was not observed in both 1000 Genome Database and ExAC database (Healthy populations Database frequency <0.05). The variant is predicted to be deleterious by Bioinformatics algorithms such as Mutation Taster and Phenolyzer.

NM_001042492.3(NF1):c.5059_5060del (p.Arg1687fs)

Gene: NF1 (neurofibromin 1; plus strand). Cytogenetic location: 17q11.2.
Variant type: Deletion.
Coding change: c.5059_5060del on transcript NM_001042492.3 (MANE Select); coding-DNA positions 5059 to 5060, 2 bases deleted (AG; older notation c.5059_5060delAG).
Protein change: p.Arg1687fs; shifts the reading frame from arginine 1687.
Molecular consequence: frameshift variant.
Genome position (GRCh38, 1-based): chr17:31,326,043-31,326,044, AG deleted. VCF-style (leftmost placement, unchanged base first): chr17-31326042-CAG-C. GRCh37 (hg19) VCF-style: chr17-29653060-CAG-C.
Other names: c.4996_4997delAG, p.Arg1666Glyfs (NM_000267.4); short protein forms R1666fs, R1687fs.
Identifiers: ClinVar variation 2573198 (VCV002573198.2), dbSNP rs2508696599, ClinGen allele CA658760980.